The following is an entry in ClinVar:

NM_052947.4(ALPK2):c.3503A>G (p.Asn1168Ser)

Gene: ALPK2 (alpha kinase 2; minus strand). Cytogenetic location: 18q21.31.
Variant type: single nucleotide variant.
Coding change: c.3503A>G on transcript NM_052947.4 (MANE Select); coding-DNA position 3503, A replaced by G.
Protein change: p.Asn1168Ser; replaces asparagine 1168 with serine.
Molecular consequence: missense variant.
Genome position (GRCh38, 1-based): chr18:58,536,684, T>C on the plus strand (A>G on the coding strand, the complement: ALPK2 is on the minus strand). VCF-style: chr18-58536684-T-C. GRCh37 (hg19) VCF-style: chr18-56203916-T-C.
Other names: short protein forms N1168S.
Identifiers: ClinVar variation 3530536 (VCV003530536.1).

ClinVar aggregate classification (germline): Uncertain significance (1 of 4 stars; one submission).

Submission:

Ambry Genetics
Classification: Uncertain significance. Last evaluated: 2024-06-26. Review status: criteria provided, single submitter. Criteria: Ambry Variant Classification Scheme 2023. Collection method: clinical testing. Allele origin: germline.
Comment: The p.N1168S variant (also known as c.3503A>G), located in coding exon 4 of the ALPK2 gene, results from an A to G substitution at nucleotide position 3503. The asparagine at codon 1168 is replaced by serine, an amino acid with highly similar properties. This amino acid position is conserved. In addition, this alteration is predicted to be tolerated by in silico analysis. Based on the available evidence, the clinical significance of this variant remains unclear.